The following is an entry in ClinVar:

NM_000288.4(PEX7):c.860_861del (p.Glu287fs)

Gene: PEX7 (peroxisomal biogenesis factor 7; plus strand). Cytogenetic location: 6q23.3.
Variant type: Microsatellite.
Coding change: c.860_861del on transcript NM_000288.4 (MANE Select); coding-DNA positions 860 to 861, 2 bases deleted (AG; older notation c.860_861delAG).
Protein change: p.Glu287fs; shifts the reading frame from glutamic acid 287.
Molecular consequence: frameshift variant.
Genome position (GRCh38, 1-based): chr6:136,898,198-136,898,199, AG deleted; deleting any 2 consecutive bases within chr6:136,898,196-136,898,199 gives the same sequence; the c. name uses the placement nearest the transcript's 3' end. VCF-style (leftmost placement, unchanged base first): chr6-136898195-CAG-C. GRCh37 (hg19) VCF-style: chr6-137219333-CAG-C.
Other names: short protein forms E287fs.
Identifiers: ClinVar variation 1073525 (VCV001073525.9), dbSNP rs2115273041, ClinGen allele CA2580615783.

ClinVar aggregate classification (germline): Pathogenic (1 of 4 stars; one submission).

Conditions:
Peroxisome biogenesis disorder 9B. Also called: PEROXISOME BIOGENESIS DISORDER, PEX7-RELATED, ATYPICAL; PEX7-Related Refsum Disease; Refsum disease, adult, 2. Identifiers: Orphanet 773, MedGen C2749346, MONDO:0013945, OMIM 614879.

Submission:

Labcorp Genetics (formerly Invitae), Labcorp
Classification: Pathogenic for Peroxisome biogenesis disorder 9B. Last evaluated: 2020-02-19. Review status: criteria provided, single submitter. Criteria: Invitae Variant Classification Sherloc (09022015). Collection method: clinical testing. Allele origin: germline.
Comment: For these reasons, this variant has been classified as Pathogenic. This variant disrupts the C-terminus of the PEX7 protein. Other variant(s) that disrupt this region (p.Leu292*) have been determined to be pathogenic (PMID: 9090381, 9090382, 23572185, 22008564, 10083738, 21990100, 25800479). This suggests that variants that disrupt this region of the protein are likely to be causative of disease. This variant has not been reported in the literature in individuals with PEX7-related conditions. This variant is not present in population databases (ExAC no frequency). This sequence change results in a premature translational stop signal in the PEX7 gene (p.Glu287Valfs*17). While this is not anticipated to result in nonsense mediated decay, it is expected to disrupt the last 37 amino acids of the PEX7 protein.

Literature cited by the submitters: PubMed 9090381; PubMed 9090382; PubMed 23572185; PubMed 22008564; PubMed 10083738; PubMed 21990100; PubMed 25800479.